The following is an entry in ClinVar:

NM_025233.7(COASY):c.1486-13C>T

Gene: COASY (Coenzyme A synthase; plus strand). Cytogenetic location: 17q21.2.
Variant type: single nucleotide variant.
Coding change: c.1486-13C>T on transcript NM_025233.7 (MANE Select); 13 bases into the intron before coding-DNA position 1486, C replaced by T.
Molecular consequence: intron variant.
Genome position (GRCh38, 1-based): chr17:42,565,646, C>T. VCF-style: chr17-42565646-C-T. GRCh37 (hg19) VCF-style: chr17-40717664-C-T.
Other names: c.1573-13C>T (NM_001042532.4); c.1486-13C>T (NM_001042529.3).
Identifiers: ClinVar variation 668333 (VCV000668333.1), dbSNP rs1002869698, ClinGen allele CA290772579.

ClinVar aggregate classification (germline): Likely benign (1 of 4 stars; one submission).

Allele frequency attached by ClinVar (database versions not stated): TOPMed below 0.00001; gnomAD 0.00001; gnomAD exomes 0.00001.

Submission:

GeneDx
Classification: Likely benign. Last evaluated: 2018-05-30. Review status: criteria provided, single submitter. Criteria: GeneDx Variant Classification (06012015). Collection method: clinical testing. Allele origin: germline. Affected: yes.
Comment: This variant is considered likely benign or benign based on one or more of the following criteria: it is a conservative change, it occurs at a poorly conserved position in the protein, it is predicted to be benign by multiple in silico algorithms, and/or has population frequency not consistent with disease.